The following is an entry in ClinVar:

NM_006846.4(SPINK5):c.1087T>C (p.Tyr363His)

Gene: SPINK5 (serine peptidase inhibitor Kazal type 5; plus strand). Cytogenetic location: 5q32.
Variant type: single nucleotide variant.
Coding change: c.1087T>C on transcript NM_006846.4 (MANE Select); coding-DNA position 1087, T replaced by C.
Protein change: p.Tyr363His; replaces tyrosine 363 with histidine.
Molecular consequence: missense variant.
Genome position (GRCh38, 1-based): chr5:148,099,310, T>C. VCF-style: chr5-148099310-T-C. GRCh37 (hg19) VCF-style: chr5-147478873-T-C.
Other names: c.1087T>C, p.Tyr363His (NM_001127698.2, NM_001127699.2); short protein forms Y363H.
Identifiers: ClinVar variation 451255 (VCV000451255.2), dbSNP rs1554104431, ClinGen allele CA361635893.

ClinVar aggregate classification (germline): Uncertain significance (1 of 4 stars; one submission).

Allele frequency attached by ClinVar (database versions not stated): gnomAD exomes below 0.00001.
gnomAD v4.1: 6 of 1,612,044 alleles (0.00037%); highest among the groups gnomAD compares: South Asian, 0.0033%; no homozygotes.

Submission:

GeneDx
Classification: Uncertain significance. Last evaluated: 2017-08-08. Review status: criteria provided, single submitter. Criteria: GeneDx Variant Classification (06012015). Collection method: clinical testing. Allele origin: germline. Affected: yes.
Comment: The Y363H variant has not been published as a pathogenic variant, nor has it been reported as a benign variant to our knowledge. The variant is not observed in large population cohorts (Lek et al., 2016; 1000 Genomes Consortium et al., 2015; Exome Variant Server). Y363H is a non-conservative amino acid substitution, which is likely to impact secondary protein structure as these residues differ in polarity, charge, size and/or other properties. However, this substitution occurs at a position that is not conserved, and in silico analysis predicts this variant likely does not alter the protein structure/function. In summary, based on the currently available information, it is unclear whether this variant is a pathogenic variant or a rare benign variant.